The following is an entry in ClinVar:

NM_018082.6(POLR3B):c.488T>C (p.Leu163Ser)

Gene: POLR3B (RNA polymerase III subunit B; plus strand). Cytogenetic location: 12q23.3.
Variant type: single nucleotide variant.
Coding change: c.488T>C on transcript NM_018082.6 (MANE Select); coding-DNA position 488, T replaced by C.
Protein change: p.Leu163Ser; replaces leucine 163 with serine.
Molecular consequence: missense variant.
Genome position (GRCh38, 1-based): chr12:106,376,442, T>C. VCF-style: chr12-106376442-T-C. GRCh37 (hg19) VCF-style: chr12-106770220-T-C.
Other names: c.314T>C, p.Leu105Ser (NM_001160708.2); short protein forms L105S, L163S.
Identifiers: ClinVar variation 2473245 (VCV002473245.4), dbSNP rs1196608899, ClinGen allele CA386386445.

ClinVar aggregate classification (germline): Uncertain significance. Review status: criteria provided, multiple submitters, no conflicts (2 of 4 stars). 3 submissions from 3 submitters: Uncertain significance (3). Last evaluated 2026-07-01.

Conditions:
Inborn genetic diseases. Identifiers: MedGen C0950123, MeSH D030342.

Allele frequency attached by ClinVar (database versions not stated): gnomAD exomes below 0.00001; TOPMed 0.00001.
gnomAD v4.1: 3 of 1,607,860 alleles (0.00019%); highest among the groups gnomAD compares: Non-Finnish European, 0.00026%; no homozygotes.

Submissions (3):

CeGaT Center for Human Genetics Tuebingen
Classification: Uncertain significance. Last evaluated: 2026-07-01. Review status: criteria provided, single submitter. Criteria: CeGaT Center For Human Genetics Tuebingen Variant Classification Criteria Version 2. Collection method: clinical testing. Allele origin: germline. Affected: yes. Observed: 1 variant allele.
Comment: POLR3B: PM2

Blueprint Genetics
Classification: Uncertain significance. Last evaluated: 2024-07-02. Review status: criteria provided, single submitter. Criteria: ACMG Guidelines, 2015. Collection method: clinical testing. Allele origin: germline.

Ambry Genetics
Classification: Uncertain significance for Inborn genetic diseases. Last evaluated: 2023-01-23. Review status: criteria provided, single submitter. Criteria: Ambry Variant Classification Scheme 2023. Collection method: clinical testing. Allele origin: germline.